The following is an entry in ClinVar:

ClinVar aggregate classification (germline): Uncertain significance (1 of 4 stars; one submission).

Allele frequency attached by ClinVar (database versions not stated): ExAC 0.00001; gnomAD exomes 0.00001 and 0.00002; TOPMed 0.00001.
gnomAD v4.1: 10 of 1,612,548 alleles (0.00062%); highest among the groups gnomAD compares: South Asian, 0.0055%; no homozygotes.

Submission:

Labcorp Genetics (formerly Invitae), Labcorp
Classification: Uncertain significance. Last evaluated: 2024-02-02. Review status: criteria provided, single submitter. Criteria: Invitae Variant Classification Sherloc (09022015). Collection method: clinical testing. Allele origin: germline.
Comment: This sequence change replaces proline, which is neutral and non-polar, with leucine, which is neutral and non-polar, at codon 57 of the TOPORS protein (p.Pro57Leu). This variant is present in population databases (rs773650423, gnomAD 0.01%). This variant has not been reported in the literature in individuals affected with TOPORS-related conditions. ClinVar contains an entry for this variant (Variation ID: 849388). Algorithms developed to predict the effect of missense changes on protein structure and function output the following: SIFT: "Not Available"; PolyPhen-2: "Benign"; Align-GVGD: "Not Available". The leucine amino acid residue is found in multiple mammalian species, which suggests that this missense change does not adversely affect protein function. In summary, the available evidence is currently insufficient to determine the role of this variant in disease. Therefore, it has been classified as a Variant of Uncertain Significance.

NM_005802.5(TOPORS):c.170C>T (p.Pro57Leu)

Gene: TOPORS (TOP1 binding arginine/serine rich protein, E3 ubiquitin ligase; minus strand). Cytogenetic location: 9p21.1.
Variant type: single nucleotide variant.
Coding change: c.170C>T on transcript NM_005802.5 (MANE Select); coding-DNA position 170, C replaced by T.
Protein change: p.Pro57Leu; replaces proline 57 with leucine.
Molecular consequence: missense variant. On other transcripts: intron variant (1).
Genome position (GRCh38, 1-based): chr9:32,550,802, G>A on the plus strand (C>T on the coding strand, the complement: TOPORS is on the minus strand). VCF-style: chr9-32550802-G-A. GRCh37 (hg19) VCF-style: chr9-32550800-G-A.
Other names: c.3+1632C>T (NM_001195622.2); short protein forms P57L.
Identifiers: ClinVar variation 849388 (VCV000849388.9), dbSNP rs773650423, ClinGen allele CA5020710.